The following is an entry in ClinVar:

ClinVar aggregate classification (germline): Uncertain significance (1 of 4 stars; one submission).

Conditions:
Neurodevelopmental disorder with nonspecific brain abnormalities and with or without seizures. Identifiers: MedGen C5231470, MONDO:0032877, OMIM 618709.

Submission:

Laboratorio de Genetica e Diagnostico Molecular, Hospital Israelita Albert Einstein
Classification: Uncertain significance for Neurodevelopmental disorder with nonspecific brain abnormalities and with or without seizures. Last evaluated: 2025-10-03. Review status: criteria provided, single submitter. Criteria: ACMG Guidelines, 2015. Collection method: clinical testing. Allele origin: germline. Affected: yes.
Comment: ACMG classification criteria: PM2 supporting, PP3 supporting

NM_005618.4(DLL1):c.100A>C (p.Asn34His)

Gene: DLL1 (delta like canonical Notch ligand 1; minus strand). Cytogenetic location: 6q27.
Variant type: single nucleotide variant.
Coding change: c.100A>C on transcript NM_005618.4 (MANE Select); coding-DNA position 100, A replaced by C.
Protein change: p.Asn34His; replaces asparagine 34 with histidine.
Molecular consequence: missense variant.
Genome position (GRCh38, 1-based): chr6:170,289,763, T>G on the plus strand (A>C on the coding strand, the complement: DLL1 is on the minus strand). VCF-style: chr6-170289763-T-G. GRCh37 (hg19) VCF-style: chr6-170598851-T-G.
Other names: short protein forms N34H.
Identifiers: ClinVar variation 4846777 (VCV004846777.1).